The following is an entry in ClinVar:

ClinVar aggregate classification (germline): Uncertain significance. Review status: criteria provided, multiple submitters, no conflicts (2 of 4 stars). 2 submissions from 2 submitters: Uncertain significance (2). Last evaluated 2026-02-26.

Conditions:
LARS2-related disorder. Also called: LARS2-related condition.
Inborn genetic diseases. Identifiers: MedGen C0950123, MeSH D030342.

Submissions (2):

PreventionGenetics, part of Exact Sciences
Classification: Uncertain significance for LARS2-related condition. Last evaluated: 2026-02-26. Review status: criteria provided, single submitter. Criteria: ACMG Guidelines, 2015. Collection method: clinical testing. Allele origin: germline.
Comment: The LARS2 c.1188A>C variant is predicted to result in the amino acid substitution p.Glu396Asp. To our knowledge, this variant has not been reported in the literature or in a large population database (gnomAD), indicating this variant is rare. At this time, the clinical significance of this variant is uncertain due to the absence of conclusive functional and genetic evidence.

Ambry Genetics
Classification: Uncertain significance for Inborn genetic diseases. Last evaluated: 2025-09-29. Review status: criteria provided, single submitter. Criteria: Ambry Variant Classification Scheme 2023. Collection method: clinical testing. Allele origin: germline.

NM_015340.4(LARS2):c.1188A>C (p.Glu396Asp)

Genes: LARS2-AS1 (LARS2 antisense RNA 1; minus strand), LARS2 (leucyl-tRNA synthetase 2, mitochondrial; plus strand). Cytogenetic location: 3p21.31.
Variant type: single nucleotide variant.
Coding change: c.1188A>C on transcript NM_015340.4 (MANE Select); coding-DNA position 1188, A replaced by C.
Protein change: p.Glu396Asp; replaces glutamic acid 396 with aspartic acid.
Molecular consequence: missense variant.
Genome position (GRCh38, 1-based): chr3:45,488,761, A>C. VCF-style: chr3-45488761-A-C. GRCh37 (hg19) VCF-style: chr3-45530253-A-C.
Other names: c.1188A>C, p.Glu396Asp (NM_001368263.1); short protein forms E396D.
Identifiers: ClinVar variation 4623557 (VCV004623557.2).